The following is an entry in ClinVar:

ClinVar aggregate classification (germline): Uncertain significance (1 of 4 stars; one submission).

Submission:

GeneDx
Classification: Uncertain significance. Last evaluated: 2024-01-31. Review status: criteria provided, single submitter. Criteria: GeneDx Variant Classification Process June 2021. Collection method: clinical testing. Allele origin: germline. Affected: yes.
Comment: Reported in an individual with hypoplastic left heart syndrome who also harbored variants in several other genes (PMID: 28530678); Not observed at significant frequency in large population cohorts (gnomAD); Frameshift variant predicted to result in protein truncation or nonsense mediated decay in a gene or region of a gene for which loss of function is not a well-established mechanism of disease; This variant is associated with the following publications: (PMID: 28530678)

NM_020774.4(MIB1):c.807del (p.Gly270fs)

Gene: MIB1 (MIB E3 ubiquitin protein ligase 1; plus strand). Cytogenetic location: 18q11.2.
Variant type: Deletion.
Coding change: c.807del on transcript NM_020774.4 (MANE Select); coding-DNA position 807, one base deleted (A; older notation c.807delA).
Protein change: p.Gly270fs; shifts the reading frame from glycine 270.
Molecular consequence: frameshift variant.
Genome position (GRCh38, 1-based): chr18:21,779,584, A deleted. VCF-style (leftmost placement, unchanged base first): chr18-21779583-GA-G. GRCh37 (hg19) VCF-style: chr18-19359544-GA-G.
Other names: c.807delA, p.Gly270Aspfs (NM_020774.3); short protein forms G270fs.
Identifiers: ClinVar variation 3340795 (VCV003340795.1).